The following is an entry in ClinVar:

ClinVar aggregate classification (germline): Pathogenic (1 of 4 stars; one submission).

Conditions:
Early-infantile DEE. Also called: Ohtahara syndrome; Early infantile epileptic encephalopathy with suppression bursts; Early infantile epileptic encephalopathy. Identifiers: Orphanet 1934, MedGen C0393706, MONDO:0800491.

Submission:

Labcorp Genetics (formerly Invitae), Labcorp
Classification: Pathogenic for Early-infantile DEE. Last evaluated: 2022-09-07. Review status: criteria provided, single submitter. Criteria: Invitae Variant Classification Sherloc (09022015). Collection method: clinical testing. Allele origin: germline.
Comment: For these reasons, this variant has been classified as Pathogenic. This variant disrupts the p.Pro1519 amino acid residue in SCN1A. Other variant(s) that disrupt this residue have been determined to be pathogenic (Invitae). This suggests that this residue is clinically significant, and that variants that disrupt this residue are likely to be disease-causing. Advanced modeling of protein sequence and biophysical properties (such as structural, functional, and spatial information, amino acid conservation, physicochemical variation, residue mobility, and thermodynamic stability) performed at Invitae indicates that this missense variant is expected to disrupt SCN1A protein function. ClinVar contains an entry for this variant (Variation ID: 1066555). This missense change has been observed in individual(s) with Dravet syndrome or childhood onset seizures (PMID: 29778030, 30868114). This variant is not present in population databases (gnomAD no frequency). This sequence change replaces proline, which is neutral and non-polar, with serine, which is neutral and polar, at codon 1519 of the SCN1A protein (p.Pro1519Ser).

Literature cited by the submitters: PubMed 29778030; PubMed 30868114.

NM_001165963.4(SCN1A):c.4555C>T (p.Pro1519Ser)

Genes: SCN1A (sodium voltage-gated channel alpha subunit 1; minus strand), LOC102724058 (uncharacterized LOC102724058; plus strand). Cytogenetic location: 2q24.3.
Variant type: single nucleotide variant.
Coding change: c.4555C>T on transcript NM_001165963.4 (MANE Select); coding-DNA position 4555, C replaced by T.
Protein change: p.Pro1519Ser; replaces proline 1519 with serine.
Molecular consequence: missense variant. On other transcripts: non-coding transcript variant (1).
Genome position (GRCh38, 1-based): chr2:165,996,039, G>A on the plus strand (C>T on the coding strand, the complement: SCN1A is on the minus strand). VCF-style: chr2-165996039-G-A. GRCh37 (hg19) VCF-style: chr2-166852549-G-A.
Other names: c.4471C>T, p.Pro1491Ser (NM_001165964.3, NM_001353957.2, NM_001353958.2); c.4555C>T, p.Pro1519Ser (NM_001202435.3, NM_001353948.2); c.4522C>T, p.Pro1508Ser (NM_001353949.2, NM_001353950.2, NM_001353951.2 and 2 more transcripts); c.4519C>T, p.Pro1507Ser (NM_001353954.2, NM_001353955.2); c.4468C>T, p.Pro1490Ser (NM_001353960.2); c.2113C>T, p.Pro705Ser (NM_001353961.2); short protein forms P1490S, P1491S, P1507S, P1508S, P1519S, P705S.
Identifiers: ClinVar variation 1066555 (VCV001066555.10), dbSNP rs796053021, ClinGen allele CA349048587.
Genomic context (GRCh38, chr2:165,996,039, plus strand): 5'-GTATTTTTCCCCCATATCATTTGATACTTCTTACTCCTGGTCGAGGTATAGGCTTTTGCG[G>A]TTTTTTCGATCCTAATTTTTTCATTGCATTATAGTATTTCTTCTGTTCTTCTGTCATAAA-3'
Protein context (NP_001159435.1, residues 1509-1529): NAMKKLGSKK[Pro1519Ser]QKPIPRPGNK